The following is an entry in ClinVar:

NM_021224.6(ZNF462):c.4119C>A (p.Asp1373Glu)

Gene: ZNF462 (zinc finger protein 462; plus strand). Cytogenetic location: 9q31.2.
Variant type: single nucleotide variant.
Coding change: c.4119C>A on transcript NM_021224.6 (MANE Select); coding-DNA position 4119, C replaced by A.
Protein change: p.Asp1373Glu; replaces aspartic acid 1373 with glutamic acid.
Molecular consequence: missense variant. On other transcripts: intron variant (1).
Genome position (GRCh38, 1-based): chr9:106,928,031, C>A. VCF-style: chr9-106928031-C-A. GRCh37 (hg19) VCF-style: chr9-109690312-C-A.
Other names: c.3252+867C>A (NM_001347997.2); short protein forms D1373E.
Identifiers: ClinVar variation 4885094 (VCV004885094.2).

ClinVar aggregate classification (germline): Uncertain significance (1 of 4 stars; one submission).

Submission:

Dasa
Classification: Uncertain significance. Last evaluated: 2025-04-14. Review status: criteria provided, single submitter. Criteria: DASA Assertion Criteria. Collection method: clinical testing. Allele origin: germline.
Comment: NM_021224.6(ZNF462):c.4119C>A (p.Asp1373Glu) is a missense variant that results in the substitution of aspartic acid with glutamic acid. This variant is absent from population databases. Computational prediction algorithms are consistent with a benign effect. The currently available literature and clinical evidence are not sufficient to establish a definitive association between this variant and the reported condition. Therefore, this variant is classified as a variant of uncertain significance.